The following is an entry in ClinVar:

NM_199420.4(POLQ):c.2745G>C (p.Glu915Asp)

Gene: POLQ (DNA polymerase theta; minus strand). Cytogenetic location: 3q13.33.
Variant type: single nucleotide variant.
Coding change: c.2745G>C on transcript NM_199420.4 (MANE Select); coding-DNA position 2745, G replaced by C.
Protein change: p.Glu915Asp; replaces glutamic acid 915 with aspartic acid.
Molecular consequence: missense variant.
Genome position (GRCh38, 1-based): chr3:121,490,186, C>G on the plus strand (G>C on the coding strand, the complement: POLQ is on the minus strand). VCF-style: chr3-121490186-C-G. GRCh37 (hg19) VCF-style: chr3-121209033-C-G.
Other names: short protein forms E915D.
Identifiers: ClinVar variation 1795480 (VCV001795480.2), dbSNP rs2048055299, ClinGen allele CA354104845.

ClinVar aggregate classification (germline): Uncertain significance (1 of 4 stars; one submission).

Allele frequency attached by ClinVar (database versions not stated): TOPMed 0.00001.
gnomAD v4.1: 1 of 1,613,306 alleles (0.000062%); highest among the groups gnomAD compares: Admixed American, 0.0017%; no homozygotes.

Submission:

Ambry Genetics
Classification: Uncertain significance. Last evaluated: 2024-02-16. Review status: criteria provided, single submitter. Criteria: Ambry Variant Classification Scheme 2023. Collection method: clinical testing. Allele origin: germline.
Comment: The p.E915D variant (also known as c.2745G>C), located in coding exon 16 of the POLQ gene, results from a G to C substitution at nucleotide position 2745. The glutamic acid at codon 915 is replaced by aspartic acid, an amino acid with highly similar properties. This amino acid position is conserved. In addition, this alteration is predicted to be tolerated by in silico analysis. Since supporting evidence is limited at this time, the clinical significance of this alteration remains unclear.